The following is an entry in ClinVar:

NM_024408.4(NOTCH2):c.1918G>A (p.Val640Ile)

Gene: NOTCH2 (notch receptor 2; minus strand). Cytogenetic location: 1p12.
Variant type: single nucleotide variant.
Coding change: c.1918G>A on transcript NM_024408.4 (MANE Select); coding-DNA position 1918, G replaced by A.
Protein change: p.Val640Ile; replaces valine 640 with isoleucine.
Molecular consequence: missense variant.
Genome position (GRCh38, 1-based): chr1:119,959,500, C>T on the plus strand (G>A on the coding strand, the complement: NOTCH2 is on the minus strand). VCF-style: chr1-119959500-C-T. GRCh37 (hg19) VCF-style: chr1-120502123-C-T.
Other names: c.1918G>A, p.Val640Ile (NM_001200001.2); short protein forms V640I.
Identifiers: ClinVar variation 2785401 (VCV002785401.4), dbSNP rs782463006, ClinGen allele CA341869968.

ClinVar aggregate classification (germline): Uncertain significance. Review status: criteria provided, multiple submitters, no conflicts (2 of 4 stars). 2 submissions from 2 submitters: Uncertain significance (2). Last evaluated 2023-10-08.

Conditions:
Hajdu-Cheney syndrome (HJCYS). Also called: Acroosteolysis dominant type; SERPENTINE FIBULA-POLYCYSTIC KIDNEY SYNDROME; ACROOSTEOLYSIS WITH OSTEOPOROSIS AND CHANGES IN SKULL AND MANDIBLE. Identifiers: Orphanet 955, MedGen C0917715, MONDO:0007057, OMIM 102500.

gnomAD v4.1: 4 of 1,554,208 alleles (0.00026%); highest among the groups gnomAD compares: African/African-American, 0.0041%; no homozygotes.

Submissions (2):

Labcorp Genetics (formerly Invitae), Labcorp
Classification: Uncertain significance for Hajdu-Cheney syndrome. Last evaluated: 2023-10-08. Review status: criteria provided, single submitter. Criteria: Invitae Variant Classification Sherloc (09022015). Collection method: clinical testing. Allele origin: germline.
Comment: This sequence change replaces valine, which is neutral and non-polar, with isoleucine, which is neutral and non-polar, at codon 640 of the NOTCH2 protein (p.Val640Ile). This variant is present in population databases (no rsID available, gnomAD 0.008%). This variant has not been reported in the literature in individuals affected with NOTCH2-related conditions. Algorithms developed to predict the effect of missense changes on protein structure and function output the following: SIFT: "Not Available"; PolyPhen-2: "Benign"; Align-GVGD: "Not Available". The isoleucine amino acid residue is found in multiple mammalian species, which suggests that this missense change does not adversely affect protein function. In summary, the available evidence is currently insufficient to determine the role of this variant in disease. Therefore, it has been classified as a Variant of Uncertain Significance.

Blueprint Genetics
Classification: Uncertain significance. Last evaluated: 2021-04-08. Review status: criteria provided, single submitter. Criteria: ACMG Guidelines, 2015. Collection method: clinical testing. Allele origin: germline.